The following is an entry in ClinVar:

ClinVar aggregate classification (germline): Conflicting classifications of pathogenicity. Review status: criteria provided, conflicting classifications (1 of 4 stars). 6 submissions from 6 submitters: Uncertain significance (2); Likely benign (4). Last evaluated 2025-10-02.

Conditions:
Autosomal recessive ataxia, Beauce type. Also called: SYNE1-Related Autosomal Recessive Cerebellar Ataxia; ATAXIA, RECESSIVE, OF BEAUCE; Spinocerebellar ataxia, autosomal recessive 8; SYNE1 Deficiency. Identifiers: Orphanet 88644, MedGen C1853116, MONDO:0012549, OMIM 610743.
Emery-Dreifuss muscular dystrophy 4, autosomal dominant (EDMD4). Also called: EMERY-DREIFUSS MUSCULAR DYSTROPHY 4 WITH VARIABLE FEATURES. Identifiers: Orphanet 261, MedGen C2751807, MONDO:0013071, OMIM 612998.

Allele frequency attached by ClinVar (database versions not stated): gnomAD 0.00011; gnomAD exomes 0.00014 and 0.00017; TOPMed 0.00015; ExAC 0.00017.
gnomAD v4.1: 258 of 1,614,056 alleles (0.016%); highest among the groups gnomAD compares: Non-Finnish European, 0.021%; no homozygotes.

Submissions (6):

Labcorp Genetics (formerly Invitae), Labcorp
Classification: Likely benign for Emery-Dreifuss muscular dystrophy 4, autosomal dominant; Autosomal recessive ataxia, Beauce type. Last evaluated: 2025-10-02. Review status: criteria provided, single submitter. Criteria: Invitae Variant Classification Sherloc (09022015). Collection method: clinical testing. Allele origin: germline.

Athena Diagnostics
Classification: Likely benign. Last evaluated: 2025-07-23. Review status: criteria provided, single submitter. Criteria: Athena Diagnostics Criteria. Collection method: clinical testing. Allele origin: unknown.
Comment: Computational tools yielded predictions that this variant is unlikely to have an effect on normal RNA splicing. This nucleotide position exhibits low evolutionary conservation.

Revvity Omics, Revvity
Classification: Uncertain significance. Last evaluated: 2025-04-17. Review status: criteria provided, single submitter. Criteria: ACMG Guidelines, 2015. Collection method: clinical testing. Allele origin: germline.

Blueprint Genetics
Classification: Likely benign. Last evaluated: 2024-11-18. Review status: criteria provided, single submitter. Criteria: ACMG Guidelines, 2015. Collection method: clinical testing. Allele origin: germline.

Women's Health and Genetics/Laboratory Corporation of America, LabCorp
Classification: Likely benign. Last evaluated: 2023-09-22. Review status: criteria provided, single submitter. Criteria: LabCorp Variant Classification Summary - May 2015. Collection method: clinical testing. Allele origin: germline.

Eurofins Ntd Llc (ga)
Classification: Uncertain significance. Last evaluated: 2017-10-03. Review status: criteria provided, single submitter. Criteria: EGL Classification Definitions 2015. Collection method: clinical testing. Allele origin: germline. Observed: 8 variant alleles, 8 heterozygotes.

NM_001347702.2(SYNE1):c.1464T>G (p.Pro488=)

Gene: SYNE1 (spectrin repeat containing nuclear envelope protein 1; minus strand). Cytogenetic location: 6q25.2.
Variant type: single nucleotide variant.
Coding change: c.1464T>G on transcript NM_001347702.2 (MANE Plus Clinical); coding-DNA position 1464, T replaced by G.
Protein change: p.Pro488=; no amino-acid change (proline 488 retained).
Molecular consequence: synonymous variant. On other transcripts: intron variant (2).
Genome position (GRCh38, 1-based): chr6:152,145,533, A>C on the plus strand (T>G on the coding strand, the complement: SYNE1 is on the minus strand). VCF-style: chr6-152145533-A-C. GRCh37 (hg19) VCF-style: chr6-152466668-A-C.
Other names: c.24786T>G (NM_033071.2, NM_033071.3); c.24786T>G, p.Pro8262= (NM_033071.5); c.24977-1768T>G (NM_182961.4); c.1583-1768T>G (NM_001347701.2).
Identifiers: ClinVar variation 194309 (VCV000194309.22), dbSNP rs770649913, ClinGen allele CA240219.